The following is an entry in ClinVar:

NM_000704.3(ATP4A):c.508G>T (p.Ala170Ser)

Gene: ATP4A (ATPase H+/K+ transporting subunit alpha; minus strand). Cytogenetic location: 19q13.12.
Variant type: single nucleotide variant.
Coding change: c.508G>T on transcript NM_000704.3 (MANE Select); coding-DNA position 508, G replaced by T.
Protein change: p.Ala170Ser; replaces alanine 170 with serine.
Molecular consequence: missense variant.
Genome position (GRCh38, 1-based): chr19:35,560,845, C>A on the plus strand (G>T on the coding strand, the complement: ATP4A is on the minus strand). VCF-style: chr19-35560845-C-A. GRCh37 (hg19) VCF-style: chr19-36051747-C-A.
Other names: short protein forms A170S.
Identifiers: ClinVar variation 1352650 (VCV001352650.7), dbSNP rs148572774, ClinGen allele CA9381385.
Genomic context (GRCh38, chr19:35,560,845, plus strand): 5'-GGGATCTGGAGTGGCTGGGTGCTGGGGAACCCACCTGTGGCACAAGGTTCTTAAAGCTGG[C>A]GATGATGTTGGTGCTCTTGAATTCCTGGTAGTAGCCAAAGCAGCCGGTGACGACAACCAC-3'
Protein context (NP_000695.2, residues 160-180): YQEFKSTNII[Ala170Ser]SFKNLVPQQA

ClinVar aggregate classification (germline): Uncertain significance. Review status: criteria provided, multiple submitters, no conflicts (2 of 4 stars). 2 submissions from 2 submitters: Uncertain significance (2). Last evaluated 2025-10-01.

Allele frequency attached by ClinVar (database versions not stated): 1000 Genomes Project 30x 0.00016; gnomAD 0.00098; ESP Exome Variant Server 0.00108.
gnomAD v4.1: 2,056 of 1,613,806 alleles (0.13%); highest among the groups gnomAD compares: Admixed American, 0.19%; 3 homozygotes.

Submissions (2):

Labcorp Genetics (formerly Invitae), Labcorp
Classification: Uncertain significance. Last evaluated: 2025-10-01. Review status: criteria provided, single submitter. Criteria: Invitae Variant Classification Sherloc (09022015). Collection method: clinical testing. Allele origin: germline.
Comment: This sequence change replaces alanine, which is neutral and non-polar, with serine, which is neutral and polar, at codon 170 of the ATP4A protein (p.Ala170Ser). This variant is present in population databases (rs148572774, gnomAD 0.2%), and has an allele count higher than expected for a pathogenic variant. This variant has not been reported in the literature in individuals affected with ATP4A-related conditions. ClinVar contains an entry for this variant (Variation ID: 1352650). Invitae Evidence Modeling of protein sequence and biophysical properties (such as structural, functional, and spatial information, amino acid conservation, physicochemical variation, residue mobility, and thermodynamic stability) indicates that this missense variant is not expected to disrupt ATP4A protein function with a negative predictive value of 80%. In summary, the available evidence is currently insufficient to determine the role of this variant in disease. Therefore, it has been classified as a Variant of Uncertain Significance.

Breakthrough Genomics
Classification: Uncertain significance. Review status: criteria provided, single submitter. Criteria: ACMG Guidelines, 2015. Collection method: not provided. Allele origin: germline. Inheritance: Autosomal dominant inheritance. Affected: yes.